The following is an entry in ClinVar:

ClinVar aggregate classification (germline): Likely benign (0 of 4 stars; one submission).

Conditions:
SEMA3F-related disorder. Also called: SEMA3F-related condition.

gnomAD v4.1: 13 of 1,611,654 alleles (0.00081%); highest among the groups gnomAD compares: Middle Eastern, 0.016%; no homozygotes.

Submission:

PreventionGenetics, part of Exact Sciences
Classification: Likely benign for SEMA3F-related condition. Last evaluated: 2021-10-18. Review status: no assertion criteria provided. Collection method: clinical testing. Allele origin: germline.
Comment: This variant is classified as likely benign based on ACMG/AMP sequence variant interpretation guidelines (Richards et al. 2015 PMID: 25741868, with internal and published modifications).

NM_004186.5(SEMA3F):c.771G>A (p.Ser257=)

Gene: SEMA3F (semaphorin 3F; plus strand). Cytogenetic location: 3p21.31.
Variant type: single nucleotide variant.
Coding change: c.771G>A on transcript NM_004186.5 (MANE Select); coding-DNA position 771, G replaced by A.
Protein change: p.Ser257=; no amino-acid change (serine 257 retained).
Molecular consequence: synonymous variant.
Genome position (GRCh38, 1-based): chr3:50,182,651, G>A. VCF-style: chr3-50182651-G-A. GRCh37 (hg19) VCF-style: chr3-50220084-G-A.
Other names: c.474G>A, p.Ser158= (NM_001318798.2); c.678G>A, p.Ser226= (NM_001318800.2).
Identifiers: ClinVar variation 3358417 (VCV003358417.1).